The following is an entry in ClinVar:

NM_001267550.2(TTN):c.44088C>G (p.Thr14696=)

Gene: TTN (titin; minus strand). Cytogenetic location: 2q31.2.
Variant type: single nucleotide variant.
Coding change: c.44088C>G on transcript NM_001267550.2 (MANE Select); coding-DNA position 44088, C replaced by G.
Protein change: p.Thr14696=; no amino-acid change (threonine 14696 retained).
Molecular consequence: synonymous variant.
Genome position (GRCh38, 1-based): chr2:178,630,870, G>C on the plus strand (C>G on the coding strand, the complement: TTN is on the minus strand). VCF-style: chr2-178630870-G-C. GRCh37 (hg19) VCF-style: chr2-179495597-G-C.
Other names: p.Thr13055=; c.39165C>G, p.Thr13055= (NM_001256850.1); c.16893C>G, p.Thr5631= (NM_003319.4); c.36384C>G, p.Thr12128= (NM_133378.4); c.17268C>G, p.Thr5756= (NM_133432.3); c.17469C>G, p.Thr5823= (NM_133437.4).
Identifiers: ClinVar variation 518088 (VCV000518088.13), dbSNP rs749706106, ClinGen allele CA1995761.

ClinVar aggregate classification (germline): Likely benign. Review status: criteria provided, multiple submitters, no conflicts (2 of 4 stars). 4 submissions from 4 submitters: Likely benign (4). Last evaluated 2026-02-03.

Conditions:
Dilated cardiomyopathy 1G (CMD1G). Identifiers: Orphanet 154, MedGen C1858763, MONDO:0011400, OMIM 604145.
Autosomal recessive limb-girdle muscular dystrophy type 2J (LGMDR10). Also called: Limb-girdle muscular dystrophy, type 2J; MUSCULAR DYSTROPHY, LIMB-GIRDLE, AUTOSOMAL RECESSIVE 10. Identifiers: Orphanet 140922, MedGen C1837342, MONDO:0012127, OMIM 608807.
Cardiovascular phenotype. Identifiers: MedGen CN230736.

gnomAD v4.1: 7 of 1,613,290 alleles (0.00043%); highest among the groups gnomAD compares: Admixed American, 0.0067%; no homozygotes.

Submissions (4):

Labcorp Genetics (formerly Invitae), Labcorp
Classification: Likely benign for Dilated cardiomyopathy 1G; Autosomal recessive limb-girdle muscular dystrophy type 2J. Last evaluated: 2026-02-03. Review status: criteria provided, single submitter. Criteria: Invitae Variant Classification Sherloc (09022015). Collection method: clinical testing. Allele origin: germline.

Mayo Clinic Laboratories, Mayo Clinic
Classification: Likely benign. Last evaluated: 2025-08-15. Review status: criteria provided, single submitter. Criteria: ACMG Guidelines, 2015. Collection method: clinical testing. Allele origin: germline. Observed: 1 variant allele.
Comment: BP4, BP7

Ambry Genetics
Classification: Likely benign for Cardiovascular phenotype. Last evaluated: 2023-09-06. Review status: criteria provided, single submitter. Criteria: Ambry Variant Classification Scheme 2023. Collection method: clinical testing. Allele origin: germline.

GeneDx
Classification: Likely benign. Last evaluated: 2018-07-18. Review status: criteria provided, single submitter. Criteria: GeneDx Variant Classification Process June 2021. Collection method: clinical testing. Allele origin: germline. Affected: yes.